The following is an entry in ClinVar:

ClinVar aggregate classification (germline): Uncertain significance (1 of 4 stars; one submission).

Conditions:
Glycogen storage disease, type II (IOPD). Also called: CARDIOMEGALIA GLYCOGENICA DIFFUSA; GLYCOGENOSIS, GENERALIZED, CARDIAC FORM; GSD II; POMPE DISEASE, INFANTILE-ONSET; GLYCOGEN STORAGE DISEASE II, INFANTILE-ONSET; ACID ALPHA-GLUCOSIDASE DEFICIENCY, INFANTILE-ONSET. Identifiers: Orphanet 365, MedGen C0017921, MONDO:0009290, OMIM 232300.

Submission:

Labcorp Genetics (formerly Invitae), Labcorp
Classification: Uncertain significance for Glycogen storage disease, type II. Last evaluated: 2019-10-14. Review status: criteria provided, single submitter. Criteria: Invitae Variant Classification Sherloc (09022015). Collection method: clinical testing. Allele origin: germline.
Comment: A gross duplication of the genomic region encompassing the full coding sequence of the GAA gene has been identified. The boundaries of this event are unknown as the duplication extends beyond the assayed region for this gene and therefore may encompass additional genes. As the precise location of this duplication is unknown, it may be in tandem or it may be located elsewhere in the genome. This variant has not been reported in the literature in individuals with GAA-related disease. Experimental studies and prediction algorithms are not available for this variant, and the functional significance of the whole gene duplication is currently unknown. In summary, the available evidence is currently insufficient to determine the role of this variant in disease. Therefore, it has been classified as a Variant of Uncertain Significance.

NC_000017.10:g.(?_78078341)_(78093150_?)dup

Gene: GAA (alpha glucosidase; plus strand). Cytogenetic location: 17q25.3.
Variant type: Duplication.
Identifiers: ClinVar variation 526558 (VCV000526558.2).